The following is an entry in ClinVar:

NM_005267.5(GJA8):c.612C>G (p.Ile204Met)

Gene: GJA8 (gap junction protein alpha 8; plus strand). Cytogenetic location: 1q21.2.
Variant type: single nucleotide variant.
Coding change: c.612C>G on transcript NM_005267.5 (MANE Select); coding-DNA position 612, C replaced by G.
Protein change: p.Ile204Met; replaces isoleucine 204 with methionine.
Molecular consequence: missense variant.
Genome position (GRCh38, 1-based): chr1:147,908,567, C>G. VCF-style: chr1-147908567-C-G. GRCh37 (hg19) VCF-style: chr1-147380694-C-G.
Other names: short protein forms I204M.
Identifiers: ClinVar variation 4780971 (VCV004780971.1).

ClinVar aggregate classification (germline): Uncertain significance (1 of 4 stars; one submission).

Conditions:
Cataract 1 multiple types. Also called: CATARACT 1, MULTIPLE TYPES, WITH OR WITHOUT MICROCORNEA; CATARACT, DUFFY-LINKED; CATARACT 1, NUCLEAR PROGRESSIVE; CATARACT 1 WITH MICROCORNEA; CATARACT 1, POSTERIOR SUBCAPSULAR, WITH MICROCORNEA; CATARACT 1, STELLATE NUCLEAR, WITH MICROCORNEA. Identifiers: Orphanet 1377, MedGen C1861828, MONDO:0007285, OMIM 116200.

Submission:

Labcorp Genetics (formerly Invitae), Labcorp
Classification: Uncertain significance for Cataract 1 multiple types. Last evaluated: 2026-01-12. Review status: criteria provided, single submitter. Criteria: Invitae Variant Classification Sherloc (09022015). Collection method: clinical testing. Allele origin: germline.
Comment: This sequence change replaces isoleucine, which is neutral and non-polar, with methionine, which is neutral and non-polar, at codon 204 of the GJA8 protein (p.Ile204Met). This variant is present in population databases (rs782147726, gnomAD 0.02%). This variant has not been reported in the literature in individuals affected with GJA8-related conditions. Invitae Evidence Modeling of protein sequence and biophysical properties (such as structural, functional, and spatial information, amino acid conservation, physicochemical variation, residue mobility, and thermodynamic stability) has been performed for this missense variant. However, the output from this modeling did not meet the statistical confidence thresholds required to predict the impact of this variant on GJA8 protein function. In summary, the available evidence is currently insufficient to determine the role of this variant in disease. Therefore, it has been classified as a Variant of Uncertain Significance.